The following is an entry in ClinVar:

ClinVar aggregate classification (germline): Pathogenic. Review status: criteria provided, multiple submitters, no conflicts (2 of 4 stars). 3 submissions from 3 submitters: Pathogenic (3). Last evaluated 2024-07-11.

Conditions:
Familial cancer of breast. Also called: hereditary breast carcinoma; BREAST CANCER, FAMILIAL; Hereditary breast cancer. Identifiers: Orphanet 227535, MedGen C0346153, MONDO:0016419, OMIM 114480. Disease mechanism: loss of function.
Fanconi anemia complementation group J. Also called: BRIP1-Related Fanconi Anemia. Identifiers: Orphanet 84, MedGen C1836860, MONDO:0012187, OMIM 609054.
Hereditary cancer-predisposing syndrome. Also called: Hereditary Cancer Syndrome; Hereditary neoplastic syndrome; Tumor predisposition; Neoplastic Syndromes, Hereditary. Identifiers: Orphanet 140162, MedGen C0027672, MeSH D009386, MONDO:0015356.

Submissions (3):

Ambry Genetics
Classification: Pathogenic for Hereditary cancer-predisposing syndrome. Last evaluated: 2024-07-11. Review status: criteria provided, single submitter. Criteria: Ambry Variant Classification Scheme 2023. Collection method: clinical testing. Allele origin: germline.
Comment: The c.844dupA pathogenic mutation, located in coding exon 6 of the BRIP1 gene, results from a duplication of A at nucleotide position 844, causing a translational frameshift with a predicted alternate stop codon (p.T282Nfs*6). This variant is considered to be rare based on population cohorts in the Genome Aggregation Database (gnomAD). This alteration is expected to result in loss of function by premature protein truncation or nonsense-mediated mRNA decay. As such, this alteration is interpreted as a disease-causing mutation.

Myriad Genetics, Inc.
Classification: Pathogenic for Familial cancer of breast. Last evaluated: 2023-05-31. Review status: criteria provided, single submitter. Criteria: Myriad Autosomal Dominant, Autosomal Recessive and X-Linked Classification Criteria (2023). Collection method: clinical testing. Allele origin: unknown.
Comment: This variant is considered pathogenic. This variant creates a frameshift predicted to result in premature protein truncation.

Labcorp Genetics (formerly Invitae), Labcorp
Classification: Pathogenic for Familial cancer of breast; Fanconi anemia complementation group J. Last evaluated: 2022-09-26. Review status: criteria provided, single submitter. Criteria: Invitae Variant Classification Sherloc (09022015). Collection method: clinical testing. Allele origin: germline.
Comment: For these reasons, this variant has been classified as Pathogenic. ClinVar contains an entry for this variant (Variation ID: 1454271). This variant has not been reported in the literature in individuals affected with BRIP1-related conditions. This variant is not present in population databases (gnomAD no frequency). This sequence change creates a premature translational stop signal (p.Thr282Asnfs*6) in the BRIP1 gene. It is expected to result in an absent or disrupted protein product. Loss-of-function variants in BRIP1 are known to be pathogenic (PMID: 16116423, 17033622, 21964575).

Literature cited by the submitters: PubMed 16116423 (cited by Labcorp Genetics (formerly Invitae), Labcorp); PubMed 17033622 (cited by Labcorp Genetics (formerly Invitae), Labcorp); PubMed 21964575 (cited by Labcorp Genetics (formerly Invitae), Labcorp).

NM_032043.3(BRIP1):c.844dup (p.Thr282fs)

Gene: BRIP1 (BRCA1 interacting DNA helicase 1; minus strand). Cytogenetic location: 17q23.2.
Variant type: Duplication.
Coding change: c.844dup on transcript NM_032043.3 (MANE Select); coding-DNA position 844, one base duplicated (A; older notation c.844dupA).
Protein change: p.Thr282fs; shifts the reading frame from threonine 282.
Molecular consequence: frameshift variant.
Genome position (GRCh38, 1-based): chr17:61,808,541, T duplicated on the plus strand (A on the coding strand, the reverse complement: BRIP1 is on the minus strand). VCF-style (leftmost placement, unchanged base first): chr17-61808540-G-GT. GRCh37 (hg19) VCF-style: chr17-59885901-G-GT.
Other names: c.844dupA (NM_032043.2); short protein forms T282fs.
Identifiers: ClinVar variation 1454271 (VCV001454271.10), dbSNP rs2145414039, ClinGen allele CA2573154361.